The following is an entry in ClinVar:

NM_012200.4(B3GAT3):c.806C>T (p.Ala269Val)

Gene: B3GAT3 (beta-1,3-glucuronyltransferase 3; minus strand). Cytogenetic location: 11q12.3.
Variant type: single nucleotide variant.
Coding change: c.806C>T on transcript NM_012200.4 (MANE Select); coding-DNA position 806, C replaced by T.
Protein change: p.Ala269Val; replaces alanine 269 with valine.
Molecular consequence: missense variant. On other transcripts: non-coding transcript variant (1).
Genome position (GRCh38, 1-based): chr11:62,616,609, G>A on the plus strand (C>T on the coding strand, the complement: B3GAT3 is on the minus strand). VCF-style: chr11-62616609-G-A. GRCh37 (hg19) VCF-style: chr11-62384081-G-A.
Other names: c.785C>T, p.Ala262Val (NM_001288721.2); c.806C>T, p.Ala269Val (NM_001288722.2, NM_001288723.2); short protein forms A262V, A269V.
Identifiers: ClinVar variation 1313414 (VCV001313414.4), dbSNP rs199543524, ClinGen allele CA6050004.
Genomic context (GRCh38, chr11:62,616,609, plus strand): 5'-ACAAGGTGGCTCAGAAGACTGCTCTCCAGGTGGCCCCGGGGAGCGGTGGAATCAAATTGG[G>A]CATTGGGCTTATCTAACAGCAAGGGCAGGGCCACGGCAAATCCAGCCATATCCACAGGGA-3'
Protein context (NP_036332.2, residues 259-279): ALPLLLDKPN[Ala269Val]QFDSTAPRGH

ClinVar aggregate classification (germline): Uncertain significance. Review status: criteria provided, multiple submitters, no conflicts (2 of 4 stars). 3 submissions from 3 submitters: Uncertain significance (3). Last evaluated 2025-04-06.

Conditions:
Larsen-like syndrome, B3GAT3 type. Also called: Multiple joint dislocations, short stature, craniofacial dysmorphism, with or without congenital heart defects; MULTIPLE JOINT DISLOCATIONS, SHORT STATURE, AND CRANIOFACIAL DYSMORPHISM WITH OR WITHOUT CONGENITAL HEART DEFECTS. Identifiers: Orphanet 284139, MedGen CN034159, MONDO:0009511, OMIM 245600.
Inborn genetic diseases. Identifiers: MedGen C0950123, MeSH D030342.

Allele frequency attached by ClinVar (database versions not stated): ExAC 0.00003; gnomAD 0.00003 and 0.00004; gnomAD exomes 0.00003 and 0.00005; TOPMed 0.00003; ESP Exome Variant Server 0.00008.
gnomAD v4.1: 61 of 1,614,096 alleles (0.0038%); highest among the groups gnomAD compares: South Asian, 0.0033%; no homozygotes.

Submissions (3):

Ambry Genetics
Classification: Uncertain significance for Inborn genetic diseases. Last evaluated: 2025-04-06. Review status: criteria provided, single submitter. Criteria: Ambry Variant Classification Scheme 2023. Collection method: clinical testing. Allele origin: germline.

Labcorp Genetics (formerly Invitae), Labcorp
Classification: Uncertain significance for Larsen-like syndrome, B3GAT3 type. Last evaluated: 2022-09-30. Review status: criteria provided, single submitter. Criteria: Invitae Variant Classification Sherloc (09022015). Collection method: clinical testing. Allele origin: germline.
Comment: This sequence change replaces alanine, which is neutral and non-polar, with valine, which is neutral and non-polar, at codon 269 of the B3GAT3 protein (p.Ala269Val). This variant is present in population databases (rs199543524, gnomAD 0.1%). This variant has not been reported in the literature in individuals affected with B3GAT3-related conditions. ClinVar contains an entry for this variant (Variation ID: 1313414). Advanced modeling of protein sequence and biophysical properties (such as structural, functional, and spatial information, amino acid conservation, physicochemical variation, residue mobility, and thermodynamic stability) performed at Invitae indicates that this missense variant is not expected to disrupt B3GAT3 protein function. In summary, the available evidence is currently insufficient to determine the role of this variant in disease. Therefore, it has been classified as a Variant of Uncertain Significance.

GeneDx
Classification: Uncertain significance. Last evaluated: 2020-10-15. Review status: criteria provided, single submitter. Criteria: GeneDx Variant Classification Process June 2021. Collection method: clinical testing. Allele origin: germline. Affected: yes.
Comment: In silico analysis supports that this missense variant has a deleterious effect on protein structure/function; Has not been previously published as pathogenic or benign to our knowledge